The following is an entry in ClinVar:

NM_004859.4(CLTC):c.1947+3A>G

Gene: CLTC (clathrin heavy chain; plus strand). Cytogenetic location: 17q23.1.
Variant type: single nucleotide variant.
Coding change: c.1947+3A>G on transcript NM_004859.4 (MANE Select); 3 bases into the intron after coding-DNA position 1947, A replaced by G.
Molecular consequence: intron variant.
Genome position (GRCh38, 1-based): chr17:59,666,647, A>G. VCF-style: chr17-59666647-A-G. GRCh37 (hg19) VCF-style: chr17-57744008-A-G.
Other names: c.1959+3A>G (NM_001288653.2).
Identifiers: ClinVar variation 4526774 (VCV004526774.1).

ClinVar aggregate classification (germline): Likely pathogenic (1 of 4 stars; one submission).

Submission:

Centre for Clinical Genetics and Genomic Diagnostics, Zealand University Hospital
Classification: Likely pathogenic. Last evaluated: 2025-11-10. Review status: criteria provided, single submitter. Criteria: ACMG Guidelines, 2015. Collection method: clinical testing. Allele origin: de novo. Inheritance: Autosomal dominant inheritance.
Comment: Splicing assay confirmed exon skipping of exon 12. Variant is confirmed de novo. Same splice site, although out of the canonical splice site, as variant reported in PMID: 34946966.